The following is an entry in ClinVar:

NM_003611.3(OFD1):c.2335A>G (p.Arg779Gly)

Gene: OFD1 (OFD1 centriole and centriolar satellite protein; plus strand). Cytogenetic location: Xp22.2.
Variant type: single nucleotide variant.
Coding change: c.2335A>G on transcript NM_003611.3 (MANE Select); coding-DNA position 2335, A replaced by G.
Protein change: p.Arg779Gly; replaces arginine 779 with glycine.
Molecular consequence: missense variant.
Genome position (GRCh38, 1-based): chrX:13,761,159, A>G. VCF-style: chrX-13761159-A-G. GRCh37 (hg19) VCF-style: chrX-13779278-A-G.
Other names: c.2215A>G, p.Arg739Gly (NM_001330209.2, NM_001440948.1); c.1915A>G, p.Arg639Gly (NM_001330210.2); c.2335A>G, p.Arg779Gly (NM_001440947.1); short protein forms R639G, R739G, R779G.
Identifiers: ClinVar variation 4083468 (VCV004083468.1).

ClinVar aggregate classification (germline): Uncertain significance (1 of 4 stars; one submission).

Submission:

GeneDx
Classification: Uncertain significance. Last evaluated: 2025-03-06. Review status: criteria provided, single submitter. Criteria: GeneDx Variant Classification Process June 2021. Collection method: clinical testing. Allele origin: germline. Affected: yes.
Comment: Not observed at significant frequency in large population cohorts (gnomAD); In silico analysis supports that this missense variant has a deleterious effect on protein structure/function; Has not been previously published as pathogenic or benign to our knowledge